The following is an entry in ClinVar:

NM_001903.5(CTNNA1):c.858+3A>G

Gene: CTNNA1 (catenin alpha 1; plus strand). Cytogenetic location: 5q31.2.
Variant type: single nucleotide variant.
Coding change: c.858+3A>G on transcript NM_001903.5 (MANE Select); 3 bases into the intron after coding-DNA position 858, A replaced by G.
Molecular consequence: intron variant.
Genome position (GRCh38, 1-based): chr5:138,824,802, A>G. VCF-style: chr5-138824802-A-G. GRCh37 (hg19) VCF-style: chr5-138160491-A-G.
Other names: c.858+3A>G (NM_001323982.2, NM_001323984.2, NM_001290307.3 and 3 more transcripts); c.489+3A>G (NM_001290310.3); c.549+3A>G (NM_001290309.3).
Identifiers: ClinVar variation 1468629 (VCV001468629.6), dbSNP rs1561564928, ClinGen allele CA2573139122.

ClinVar aggregate classification (germline): Uncertain significance (1 of 4 stars; one submission).

Submission:

Labcorp Genetics (formerly Invitae), Labcorp
Classification: Uncertain significance. Last evaluated: 2023-12-06. Review status: criteria provided, single submitter. Criteria: Invitae Variant Classification Sherloc (09022015). Collection method: clinical testing. Allele origin: germline.
Comment: This sequence change falls in intron 6 of the CTNNA1 gene. It does not directly change the encoded amino acid sequence of the CTNNA1 protein. It affects a nucleotide within the consensus splice site. This variant is not present in population databases (gnomAD no frequency). This variant has not been reported in the literature in individuals affected with CTNNA1-related conditions. ClinVar contains an entry for this variant (Variation ID: 1468629). Variants that disrupt the consensus splice site are a relatively common cause of aberrant splicing (PMID: 17576681, 9536098). Algorithms developed to predict the effect of sequence changes on RNA splicing suggest that this variant is not likely to affect RNA splicing. In summary, the available evidence is currently insufficient to determine the role of this variant in disease. Therefore, it has been classified as a Variant of Uncertain Significance.

Literature cited by the submitters: PubMed 17576681; PubMed 9536098.